The following is an entry in ClinVar:

ClinVar aggregate classification (germline): Uncertain significance (1 of 4 stars; one submission).

Conditions:
Perlman syndrome (PRLMNS). Identifiers: Orphanet 2849, MedGen C0796113, MONDO:0009965, OMIM 267000.

Allele frequency attached by ClinVar (database versions not stated): gnomAD exomes below 0.00001.
gnomAD v4.1: 4 of 1,611,704 alleles (0.00025%); highest among the groups gnomAD compares: East Asian, 0.0022%; no homozygotes.

Submission:

Labcorp Genetics (formerly Invitae), Labcorp
Classification: Uncertain significance for Perlman syndrome. Last evaluated: 2023-06-15. Review status: criteria provided, single submitter. Criteria: Invitae Variant Classification Sherloc (09022015). Collection method: clinical testing. Allele origin: germline.
Comment: In summary, the available evidence is currently insufficient to determine the role of this variant in disease. Therefore, it has been classified as a Variant of Uncertain Significance. Advanced modeling of protein sequence and biophysical properties (such as structural, functional, and spatial information, amino acid conservation, physicochemical variation, residue mobility, and thermodynamic stability) performed at Invitae indicates that this missense variant is expected to disrupt DIS3L2 protein function. ClinVar contains an entry for this variant (Variation ID: 1480827). This variant has not been reported in the literature in individuals affected with DIS3L2-related conditions. This variant is present in population databases (no rsID available, gnomAD 0.006%). This sequence change replaces alanine, which is neutral and non-polar, with aspartic acid, which is acidic and polar, at codon 605 of the DIS3L2 protein (p.Ala605Asp).

NM_152383.5(DIS3L2):c.1814C>A (p.Ala605Asp)

Gene: DIS3L2 (DIS3 like 3'-5' exoribonuclease 2; plus strand). Cytogenetic location: 2q37.1.
Variant type: single nucleotide variant.
Coding change: c.1814C>A on transcript NM_152383.5 (MANE Select); coding-DNA position 1814, C replaced by A.
Protein change: p.Ala605Asp; replaces alanine 605 with aspartic acid.
Molecular consequence: missense variant. On other transcripts: non-coding transcript variant (2), intron variant (1).
Genome position (GRCh38, 1-based): chr2:232,329,887, C>A. VCF-style: chr2-232329887-C-A. GRCh37 (hg19) VCF-style: chr2-233194597-C-A.
Other names: c.1582-13458C>A (NM_001257281.2); short protein forms A605D.
Identifiers: ClinVar variation 1480827 (VCV001480827.6), dbSNP rs1303809854, ClinGen allele CA350976077.